The following is an entry in ClinVar:

NM_002351.5(SH2D1A):c.172C>T (p.Gln58Ter)

Gene: SH2D1A (SH2 domain containing 1A; plus strand). Cytogenetic location: Xq25.
Variant type: single nucleotide variant.
Coding change: c.172C>T on transcript NM_002351.5 (MANE Select); coding-DNA position 172, C replaced by T.
Protein change: p.Gln58Ter; replaces glutamine 58 with a stop codon.
Molecular consequence: nonsense.
Genome position (GRCh38, 1-based): chrX:124,365,795, C>T. VCF-style: chrX-124365795-C-T. GRCh37 (hg19) VCF-style: chrX-123499645-C-T.
Other names: c.172C>T, p.Gln58Ter (NM_001114937.3); short protein forms Q58*.
Identifiers: ClinVar variation 10899 (VCV000010899.2), dbSNP rs111033628, ClinGen allele CA255592.
Genomic context (GRCh38, chrX:124,365,795, plus strand): 5'-AGTAATGGAAGTTTATTCTTTCACAGGTATCACGGTTACATTTATACATACCGAGTGTCC[C>T]AGACAGAAACAGGTTCTTGGAGTGCTGAGGTATAGTTGTATTTATTTTTGCTTCTGGGGG-3'

ClinVar aggregate classification (germline): Pathogenic. Review status: criteria provided, single submitter (1 of 4 stars). 2 submissions from 2 submitters: Pathogenic (1). 1 of the submissions does not count toward it. Last evaluated 2026-06-12.

Conditions:
Lymphoproliferative syndrome with absent SAP expression.
X-linked lymphoproliferative disease due to SH2D1A deficiency (XLP1). Also called: DUNCAN DISEASE; IMMUNODEFICIENCY 5; IMMUNODEFICIENCY, X-LINKED PROGRESSIVE COMBINED VARIABLE; INFECTIOUS MONONUCLEOSIS, SEVERE, SUSCEPTIBILITY TO; SH2D1A-Related Lymphoproliferative Disease, X-Linked; EBV infection severe susceptibility to. Identifiers: Orphanet 2442, Orphanet 538931, MedGen C5399825, MONDO:0024551, OMIM 308240.

Submissions (2):

Genetics Laboratory, Great Ormond Street Hospital NHS Foundation Trust, North Thames Genomic Laboratory Hub
Classification: Pathogenic for Lymphoproliferative syndrome with absent SAP expression. Last evaluated: 2026-06-12. Review status: criteria provided, single submitter. Criteria: ACGS Best Practice Guidelines for Variant Classification in Rare Disease 2024 v1.2. Collection method: clinical testing. Allele origin: germline. Affected: yes.
Comment: PM2_moderate, PVS1_very-strong, PP4_moderate

OMIM
Classification: Pathogenic for LYMPHOPROLIFERATIVE SYNDROME, X-LINKED, 1. Last evaluated: 1998-10-01. Review status: no assertion criteria provided. Collection method: literature only. Allele origin: germline. Not counted in ClinVar's aggregate classification.

Literature cited by the submitters: PubMed 9771704 (cited by OMIM).